The following is an entry in ClinVar:

ClinVar aggregate classification (germline): Conflicting classifications of pathogenicity. Review status: criteria provided, conflicting classifications (1 of 4 stars). 2 submissions from 2 submitters: Uncertain significance (1); Benign (1). Last evaluated 2025-04-21.

Allele frequency attached by ClinVar (database versions not stated): TOPMed 0.00001; gnomAD 0.00002; ExAC 0.00002.
gnomAD v4.1: 15 of 1,614,092 alleles (0.00093%); highest among the groups gnomAD compares: African/African-American, 0.0027%; no homozygotes.

Submissions (2):

Labcorp Genetics (formerly Invitae), Labcorp
Classification: Benign. Last evaluated: 2025-04-21. Review status: criteria provided, single submitter. Criteria: Invitae Variant Classification Sherloc (09022015). Collection method: clinical testing. Allele origin: germline.

GeneDx
Classification: Uncertain significance. Last evaluated: 2023-04-06. Review status: criteria provided, single submitter. Criteria: GeneDx Variant Classification Process June 2021. Collection method: clinical testing. Allele origin: germline. Affected: yes.
Comment: In silico analysis supports that this missense variant does not alter protein structure/function; Has not been previously published as pathogenic or benign to our knowledge

NM_001378418.1(TCF20):c.2962A>G (p.Met988Val)

Gene: TCF20 (transcription factor 20; minus strand). Cytogenetic location: 22q13.2.
Variant type: single nucleotide variant.
Coding change: c.2962A>G on transcript NM_001378418.1 (MANE Select); coding-DNA position 2962, A replaced by G.
Protein change: p.Met988Val; replaces methionine 988 with valine.
Molecular consequence: missense variant.
Genome position (GRCh38, 1-based): chr22:42,212,344, T>C on the plus strand (A>G on the coding strand, the complement: TCF20 is on the minus strand). VCF-style: chr22-42212344-T-C. GRCh37 (hg19) VCF-style: chr22-42608350-T-C.
Other names: c.2962A>G, p.Met988Val (NM_005650.4, NM_181492.3); short protein forms M988V.
Identifiers: ClinVar variation 2663729 (VCV002663729.3), dbSNP rs746474528, ClinGen allele CA10266926.